The following is an entry in ClinVar:

ClinVar aggregate classification (germline): Uncertain significance (1 of 4 stars; one submission).

Conditions:
Inborn genetic diseases. Identifiers: MedGen C0950123, MeSH D030342.

gnomAD v4.1: 1 of 1,611,194 alleles (0.000062%); highest among the groups gnomAD compares: South Asian, 0.0011%; no homozygotes.

Submission:

Ambry Genetics
Classification: Uncertain significance for Inborn genetic diseases. Last evaluated: 2025-05-25. Review status: criteria provided, single submitter. Criteria: Ambry Variant Classification Scheme 2023. Collection method: clinical testing. Allele origin: germline.
Comment: The p.Q533E variant (also known as c.1597C>G), located in coding exon 14 of the KDM1A gene, results from a C to G substitution at nucleotide position 1597. The glutamine at codon 533 is replaced by glutamic acid, an amino acid with highly similar properties. This amino acid position is conserved. In addition, this alteration is predicted to be tolerated by in silico analysis. Based on the available evidence, the clinical significance of this variant remains unclear.

NM_001009999.3(KDM1A):c.1597C>G (p.Gln533Glu)

Gene: KDM1A (lysine demethylase 1A; plus strand). Cytogenetic location: 1p36.12.
Variant type: single nucleotide variant.
Coding change: c.1597C>G on transcript NM_001009999.3 (MANE Select); coding-DNA position 1597, C replaced by G.
Protein change: p.Gln533Glu; replaces glutamine 533 with glutamic acid.
Molecular consequence: missense variant.
Genome position (GRCh38, 1-based): chr1:23,072,172, C>G. VCF-style: chr1-23072172-C-G. GRCh37 (hg19) VCF-style: chr1-23398665-C-G.
Other names: c.1525C>G, p.Gln509Glu (NM_001363654.2, NM_001410763.1, NM_015013.4); c.1585C>G, p.Gln529Glu (NM_001410762.1); short protein forms Q509E, Q529E, Q533E.
Identifiers: ClinVar variation 4042159 (VCV004042159.1).